The following is an entry in ClinVar:

NM_001382391.1(CSPP1):c.1624del (p.Ser542fs)

Gene: CSPP1 (centrosome and spindle pole associated protein 1; plus strand). Cytogenetic location: 8q13.2.
Variant type: Deletion.
Coding change: c.1624del on transcript NM_001382391.1 (MANE Select); coding-DNA position 1624, one base deleted (T; older notation c.1624delT).
Protein change: p.Ser542fs; shifts the reading frame from serine 542.
Molecular consequence: frameshift variant.
Genome position (GRCh38, 1-based): chr8:67,118,748, T deleted; the last of 2 consecutive T bases (chr8:67,118,747-67,118,748); deleting either gives the same sequence. VCF-style (leftmost placement, unchanged base first): chr8-67118746-GT-G. GRCh37 (hg19) VCF-style: chr8-68030981-GT-G.
Other names: c.727del, p.Ser243fs (NM_001291339.2); c.1543del, p.Ser515fs (NM_001363131.2); c.1582del, p.Ser528fs (NM_001363132.2); c.1501del, p.Ser501fs (NM_001363133.2); c.1690del, p.Ser564fs (NM_001364869.1); c.1510del, p.Ser504fs (NM_001364870.1); c.1609delT, p.Ser537Glnfs (NM_024790.7); c.1609delT (NM_024790.6); short protein forms S243fs, S501fs, S504fs, S515fs, S528fs, S537fs, S542fs, S564fs.
Identifiers: ClinVar variation 2682412 (VCV002682412.1), dbSNP rs1818417633, ClinGen allele CA1790796828.

ClinVar aggregate classification (germline): Pathogenic (1 of 4 stars; one submission).

Conditions:
Joubert syndrome 21 (JBTS21). Identifiers: MedGen C3810212, MONDO:0014288, OMIM 615636.

Submission:

Women's Health and Genetics/Laboratory Corporation of America, LabCorp
Classification: Pathogenic for Joubert syndrome 21. Last evaluated: 2023-11-08. Review status: criteria provided, single submitter. Criteria: LabCorp Variant Classification Summary - May 2015. Collection method: clinical testing. Allele origin: germline.
Comment: Variant summary: CSPP1 c.1609delT (p.Ser537GlnfsX3) results in a premature termination codon, predicted to cause absence of the protein due to nonsense mediated decay, which is a commonly known mechanism for disease. The variant was absent in 243804 control chromosomes (gnomAD). To our knowledge, no occurrence of c.1609delT in individuals affected with Joubert Syndrome 21 and no experimental evidence demonstrating its impact on protein function have been reported. No submitters have cited clinical-significance assessments for this variant to ClinVar after 2014. Based on the evidence outlined above, the variant was classified as pathogenic.